The following is an entry in ClinVar:

NM_033641.4(COL4A6):c.2011C>T (p.Pro671Ser)

Gene: COL4A6 (collagen type IV alpha 6 chain; minus strand). Cytogenetic location: Xq22.3.
Variant type: single nucleotide variant.
Coding change: c.2011C>T on transcript NM_033641.4 (MANE Select); coding-DNA position 2011, C replaced by T.
Protein change: p.Pro671Ser; replaces proline 671 with serine.
Molecular consequence: missense variant.
Genome position (GRCh38, 1-based): chrX:108,180,909, G>A on the plus strand (C>T on the coding strand, the complement: COL4A6 is on the minus strand). VCF-style: chrX-108180909-G-A. GRCh37 (hg19) VCF-style: chrX-107424139-G-A.
Other names: c.2062C>T, p.Pro688Ser (NM_001287758.2); c.2011C>T, p.Pro671Ser (NM_001287759.2, NM_001287760.2, NM_001440760.1); c.2014C>T, p.Pro672Ser (NM_001440759.1, NM_001847.4); short protein forms P688S, P671S, P672S.
Identifiers: ClinVar variation 4725987 (VCV004725987.1).
Genomic context (GRCh38, chrX:108,180,909, plus strand): 5'-TGGCCCTTACAAGAGTGTTTAGTGGCTTTCTCTGGCCTCATTCCATACCTGGGAATCCGG[G>A]AGTGCCTGGAAATCCTGATGGACCGTATGACCCAGGAATAATACAGGGCAGGGTGATTCC-3'
Protein context (NP_378667.1, residues 661-681): SYGPSGFPGT[Pro671Ser]GFPGPKGSRG

ClinVar aggregate classification (germline): Uncertain significance (1 of 4 stars; one submission).

gnomAD v4.1: 16 of 1,208,750 alleles (0.0013%); highest among the groups gnomAD compares: Non-Finnish European, 0.0018%; no homozygotes.

Submission:

Labcorp Genetics (formerly Invitae), Labcorp
Classification: Uncertain significance. Last evaluated: 2025-05-23. Review status: criteria provided, single submitter. Criteria: Invitae Variant Classification Sherloc (09022015). Collection method: clinical testing. Allele origin: germline.
Comment: This sequence change replaces proline, which is neutral and non-polar, with serine, which is neutral and polar, at codon 672 of the COL4A6 protein (p.Pro672Ser). This variant is present in population databases (rs370305502, gnomAD 0.004%). This variant has not been reported in the literature in individuals affected with COL4A6-related conditions. Invitae Evidence Modeling of protein sequence and biophysical properties (such as structural, functional, and spatial information, amino acid conservation, physicochemical variation, residue mobility, and thermodynamic stability) indicates that this missense variant is not expected to disrupt COL4A6 protein function with a negative predictive value of 80%. In summary, the available evidence is currently insufficient to determine the role of this variant in disease. Therefore, it has been classified as a Variant of Uncertain Significance.